The following is an entry in ClinVar:

NM_000808.4(GABRA3):c.970A>G (p.Ser324Gly)

Gene: GABRA3 (gamma-aminobutyric acid type A receptor subunit alpha3; minus strand). Cytogenetic location: Xq28.
Variant type: single nucleotide variant.
Coding change: c.970A>G on transcript NM_000808.4 (MANE Select); coding-DNA position 970, A replaced by G.
Protein change: p.Ser324Gly; replaces serine 324 with glycine.
Molecular consequence: missense variant.
Genome position (GRCh38, 1-based): chrX:152,189,903, T>C on the plus strand (A>G on the coding strand, the complement: GABRA3 is on the minus strand). VCF-style: chrX-152189903-T-C. GRCh37 (hg19) VCF-style: chrX-151358375-T-C.
Other names: short protein forms S324G.
Identifiers: ClinVar variation 4532354 (VCV004532354.1).

ClinVar aggregate classification (germline): Uncertain significance (1 of 4 stars; one submission).

Submission:

GeneDx
Classification: Uncertain significance. Last evaluated: 2022-04-25. Review status: criteria provided, single submitter. Criteria: GeneDx Variant Classification Process June 2021. Collection method: clinical testing. Allele origin: germline. Affected: yes.
Comment: Not observed at significant frequency in large population cohorts (gnomAD); In silico analysis supports that this missense variant has a deleterious effect on protein structure/function; Has not been previously published as pathogenic or benign to our knowledge; Variants in candidate genes are classified as variants of uncertain significance in accordance with ACMG guidelines (Richards et al., 2015)